The following is an entry in ClinVar:

NM_017617.5(NOTCH1):c.5423A>G (p.Asp1808Gly)

Gene: NOTCH1 (notch receptor 1; minus strand). Cytogenetic location: 9q34.3.
Variant type: single nucleotide variant.
Coding change: c.5423A>G on transcript NM_017617.5 (MANE Select); coding-DNA position 5423, A replaced by G.
Protein change: p.Asp1808Gly; replaces aspartic acid 1808 with glycine.
Molecular consequence: missense variant.
Genome position (GRCh38, 1-based): chr9:136,502,050, T>C on the plus strand (A>G on the coding strand, the complement: NOTCH1 is on the minus strand). VCF-style: chr9-136502050-T-C. GRCh37 (hg19) VCF-style: chr9-139396502-T-C.
Other names: c.5423A>G, p.Asp1808Gly (LRG_1122t1); short protein forms D1808G.
Identifiers: ClinVar variation 647755 (VCV000647755.8), dbSNP rs1589056398, ClinGen allele CA375640066.

ClinVar aggregate classification (germline): Uncertain significance (1 of 4 stars; one submission).

Conditions:
Adams-Oliver syndrome 5 (AOS5). Identifiers: Orphanet 974, MedGen C4014970, MONDO:0014459, OMIM 616028.

Submission:

Labcorp Genetics (formerly Invitae), Labcorp
Classification: Uncertain significance for Adams-Oliver syndrome 5. Last evaluated: 2024-10-23. Review status: criteria provided, single submitter. Criteria: Invitae Variant Classification Sherloc (09022015). Collection method: clinical testing. Allele origin: germline.
Comment: This sequence change replaces aspartic acid, which is acidic and polar, with glycine, which is neutral and non-polar, at codon 1808 of the NOTCH1 protein (p.Asp1808Gly). This variant is not present in population databases (gnomAD no frequency). This variant has not been reported in the literature in individuals affected with NOTCH1-related conditions. ClinVar contains an entry for this variant (Variation ID: 647755). Invitae Evidence Modeling of protein sequence and biophysical properties (such as structural, functional, and spatial information, amino acid conservation, physicochemical variation, residue mobility, and thermodynamic stability) indicates that this missense variant is not expected to disrupt NOTCH1 protein function with a negative predictive value of 80%. In summary, the available evidence is currently insufficient to determine the role of this variant in disease. Therefore, it has been classified as a Variant of Uncertain Significance.